The following is an entry in ClinVar:

ClinVar aggregate classification (germline): Uncertain significance (1 of 4 stars; one submission).

Conditions:
NUP93-related disorder. Also called: NUP93-related condition.

Submission:

PreventionGenetics, part of Exact Sciences
Classification: Uncertain significance for NUP93-related condition. Last evaluated: 2026-03-06. Review status: criteria provided, single submitter. Criteria: ACMG Guidelines, 2015. Collection method: clinical testing. Allele origin: germline.
Comment: The NUP93 c.1977C>A variant is predicted to result in the amino acid substitution p.Asn659Lys. To our knowledge, this variant has not been reported in the literature. This variant is reported in 0.0054% of alleles in individuals of East Asian descent in gnomAD. At this time, the clinical significance of this variant is uncertain due to the absence of conclusive functional and genetic evidence.

NM_014669.5(NUP93):c.1977C>A (p.Asn659Lys)

Gene: NUP93 (nucleoporin 93; plus strand). Cytogenetic location: 16q13.
Variant type: single nucleotide variant.
Coding change: c.1977C>A on transcript NM_014669.5 (MANE Select); coding-DNA position 1977, C replaced by A.
Protein change: p.Asn659Lys; replaces asparagine 659 with lysine.
Molecular consequence: missense variant.
Genome position (GRCh38, 1-based): chr16:56,837,685, C>A. VCF-style: chr16-56837685-C-A. GRCh37 (hg19) VCF-style: chr16-56871597-C-A.
Other names: c.1608C>A, p.Asn536Lys (NM_001242795.2, NM_001242796.2); short protein forms N536K, N659K.
Identifiers: ClinVar variation 4980022 (VCV004980022.1).
Genomic context (GRCh38, chr16:56,837,685, plus strand): 5'-GGAGCTGATGAACAAACTGCTGAGCCCTGTCGTCCCCCAGATCAGTGCCCCGCAATCCAA[C>A]AAGGAGAGGCTGAAGAACATGGCACTCTCCATTGCCGAACGGTAAGCCAGGAGCTGGCTC-3'
Protein context (NP_055484.3, residues 649-669): VVPQISAPQS[Asn659Lys]KERLKNMALS